The following is an entry in ClinVar:

ClinVar aggregate classification (germline): Uncertain significance (1 of 4 stars; one submission).

Conditions:
RYR1-related disorder. Also called: RYR1-related condition; RYR1-related disorders. Identifiers: MedGen CN239331.

Submission:

Labcorp Genetics (formerly Invitae), Labcorp
Classification: Uncertain significance for RYR1-related disorder. Last evaluated: 2025-04-13. Review status: criteria provided, single submitter. Criteria: Invitae Variant Classification Sherloc (09022015). Collection method: clinical testing. Allele origin: germline.
Comment: This sequence change replaces alanine, which is neutral and non-polar, with serine, which is neutral and polar, at codon 3953 of the RYR1 protein (p.Ala3953Ser). This variant is not present in population databases (gnomAD no frequency). This variant has not been reported in the literature in individuals affected with RYR1-related conditions. Invitae Evidence Modeling of protein sequence and biophysical properties (such as structural, functional, and spatial information, amino acid conservation, physicochemical variation, residue mobility, and thermodynamic stability) indicates that this missense variant is expected to disrupt RYR1 protein function with a positive predictive value of 80%. In summary, the available evidence is currently insufficient to determine the role of this variant in disease. Therefore, it has been classified as a Variant of Uncertain Significance.

NM_000540.3(RYR1):c.11857G>T (p.Ala3953Ser)

Gene: RYR1 (ryanodine receptor 1; plus strand). Cytogenetic location: 19q13.2.
Variant type: single nucleotide variant.
Coding change: c.11857G>T on transcript NM_000540.3 (MANE Select); coding-DNA position 11857, G replaced by T.
Protein change: p.Ala3953Ser; replaces alanine 3953 with serine.
Molecular consequence: missense variant.
Genome position (GRCh38, 1-based): chr19:38,543,610, G>T. VCF-style: chr19-38543610-G-T. GRCh37 (hg19) VCF-style: chr19-39034250-G-T.
Other names: c.11842G>T, p.Ala3948Ser (NM_001042723.2); short protein forms A3953S, A3948S.
Identifiers: ClinVar variation 4751292 (VCV004751292.1).